The following is an entry in ClinVar:

ClinVar aggregate classification (germline): Benign (1 of 4 stars; one submission).

Allele frequency attached by ClinVar (database versions not stated): 1000 Genomes Project 0.41573; 1000 Genomes Project 30x 0.41927; TOPMed 0.40814.
gnomAD v4.1: 61,394 of 152,080 alleles (40%); highest among the groups gnomAD compares: African/African-American, 53%; 12,891 homozygotes.

Submission:

GeneDx
Classification: Benign. Last evaluated: 2018-06-18. Review status: criteria provided, single submitter. Criteria: GeneDx Variant Classification (06012015). Collection method: clinical testing. Allele origin: germline. Affected: yes.
Comment: This variant is considered likely benign or benign based on one or more of the following criteria: it is a conservative change, it occurs at a poorly conserved position in the protein, it is predicted to be benign by multiple in silico algorithms, and/or has population frequency not consistent with disease.

NM_000093.5(COL5A1):c.4554+258C>G

Genes: COL5A1 (collagen type V alpha 1 chain; plus strand), LOC101448202 (uncharacterized LOC101448202; minus strand). Cytogenetic location: 9q34.3.
Variant type: single nucleotide variant.
Coding change: c.4554+258C>G on transcript NM_000093.5 (MANE Select); 258 bases into the intron after coding-DNA position 4554, C replaced by G.
Molecular consequence: intron variant.
Genome position (GRCh38, 1-based): chr9:134,820,481, C>G. VCF-style: chr9-134820481-C-G. GRCh37 (hg19) VCF-style: chr9-137712327-C-G.
Other names: c.4554+258C>G (NM_001278074.1).
Identifiers: ClinVar variation 683387 (VCV000683387.1), dbSNP rs4841935, ClinGen allele CA12975195.